The following is an entry in ClinVar:

ClinVar aggregate classification (germline): Uncertain significance (1 of 4 stars; one submission).

Submission:

Greenwood Genetic Center Diagnostic Laboratories, Greenwood Genetic Center
Classification: Uncertain significance. Last evaluated: 2024-02-14. Review status: criteria provided, single submitter. Criteria: ACMG Guidelines, 2015. Collection method: clinical testing. Allele origin: germline. Affected: yes.
Comment: Gene of Uncertain Significance

NM_003074.4(SMARCC1):c.1317dup (p.Asp440fs)

Gene: SMARCC1 (SWI/SNF related BAF chromatin remodeling complex subunit C1; minus strand). Cytogenetic location: 3p21.31.
Variant type: Duplication.
Coding change: c.1317dup on transcript NM_003074.4 (MANE Select); coding-DNA position 1317, one base duplicated (A; older notation c.1317dupA).
Protein change: p.Asp440fs; shifts the reading frame from aspartic acid 440.
Molecular consequence: frameshift variant.
Genome position (GRCh38, 1-based): chr3:47,686,117, T duplicated on the plus strand (A on the coding strand, the reverse complement: SMARCC1 is on the minus strand); the first of 2 consecutive T bases (chr3:47,686,117-47,686,118); duplicating either gives the same sequence. VCF-style (leftmost placement, unchanged base first): chr3-47686116-C-CT. GRCh37 (hg19) VCF-style: chr3-47727606-C-CT.
Other names: short protein forms D440fs.
Identifiers: ClinVar variation 3235748 (VCV003235748.1), dbSNP rs2549182182, ClinGen allele CA2825001241.